The following is an entry in ClinVar:

ClinVar aggregate classification (germline): Uncertain significance. Review status: criteria provided, multiple submitters, no conflicts (2 of 4 stars). 2 submissions from 2 submitters: Uncertain significance (2). Last evaluated 2025-12-23.

Conditions:
Inborn genetic diseases. Identifiers: MedGen C0950123, MeSH D030342.

Submissions (2):

Labcorp Genetics (formerly Invitae), Labcorp
Classification: Uncertain significance. Last evaluated: 2025-12-23. Review status: criteria provided, single submitter. Criteria: Invitae Variant Classification Sherloc (09022015). Collection method: clinical testing. Allele origin: germline.
Comment: This sequence change replaces serine, which is neutral and polar, with threonine, which is neutral and polar, at codon 194 of the MBD4 protein (p.Ser194Thr). This variant is not present in population databases (gnomAD no frequency). This variant has not been reported in the literature in individuals affected with MBD4-related conditions. ClinVar contains an entry for this variant (Variation ID: 4052260). An algorithm developed to predict the effect of missense changes on protein structure and function (PolyPhen-2) suggests that this variant is likely to be tolerated. In summary, the available evidence is currently insufficient to determine the role of this variant in disease. Therefore, it has been classified as a Variant of Uncertain Significance.

Ambry Genetics
Classification: Uncertain significance for Inborn genetic diseases. Last evaluated: 2025-06-04. Review status: criteria provided, single submitter. Criteria: Ambry Variant Classification Scheme 2023. Collection method: clinical testing. Allele origin: germline.

NM_001276270.2(MBD4):c.581G>C (p.Ser194Thr)

Gene: MBD4 (methyl-CpG binding domain 4, DNA glycosylase; minus strand). Cytogenetic location: 3q21.3.
Variant type: single nucleotide variant.
Coding change: c.581G>C on transcript NM_001276270.2 (MANE Select); coding-DNA position 581, G replaced by C.
Protein change: p.Ser194Thr; replaces serine 194 with threonine.
Molecular consequence: missense variant. On other transcripts: intron variant (1).
Genome position (GRCh38, 1-based): chr3:129,437,063, C>G on the plus strand (G>C on the coding strand, the complement: MBD4 is on the minus strand). VCF-style: chr3-129437063-C-G. GRCh37 (hg19) VCF-style: chr3-129155906-C-G.
Other names: c.581G>C, p.Ser194Thr (NM_001276271.2, NM_001276272.2, NM_003925.3); c.247+745G>C (NM_001276273.2); short protein forms S194T.
Identifiers: ClinVar variation 4052260 (VCV004052260.2).